The following is an entry in ClinVar:

NM_000384.3(APOB):c.5380G>C (p.Val1794Leu)

Gene: APOB (apolipoprotein B; minus strand). Cytogenetic location: 2p24.1.
Variant type: single nucleotide variant.
Coding change: c.5380G>C on transcript NM_000384.3 (MANE Select); coding-DNA position 5380, G replaced by C.
Protein change: p.Val1794Leu; replaces valine 1794 with leucine.
Molecular consequence: missense variant.
Genome position (GRCh38, 1-based): chr2:21,011,488, C>G on the plus strand (G>C on the coding strand, the complement: APOB is on the minus strand). VCF-style: chr2-21011488-C-G. GRCh37 (hg19) VCF-style: chr2-21234360-C-G.
Other names: short protein forms V1794L.
Identifiers: ClinVar variation 1747179 (VCV001747179.2), dbSNP rs751609167, ClinGen allele CA346004844.

ClinVar aggregate classification (germline): Uncertain significance (1 of 4 stars; one submission).

Conditions:
Cardiovascular phenotype. Identifiers: MedGen CN230736.

Submission:

Ambry Genetics
Classification: Uncertain significance for Cardiovascular phenotype. Last evaluated: 2021-11-28. Review status: criteria provided, single submitter. Criteria: Ambry Variant Classification Scheme 2023. Collection method: clinical testing. Allele origin: germline.
Comment: The p.V1794L variant (also known as c.5380G>C), located in coding exon 26 of the APOB gene, results from a G to C substitution at nucleotide position 5380. The valine at codon 1794 is replaced by leucine, an amino acid with highly similar properties. This amino acid position is conserved. In addition, this alteration is predicted to be tolerated by in silico analysis. Since supporting evidence is limited at this time, the clinical significance of this alteration remains unclear.